The following is an entry in ClinVar:

NM_001267550.2(TTN):c.13690G>A (p.Glu4564Lys)

Gene: TTN (titin; minus strand). Cytogenetic location: 2q31.2.
Variant type: single nucleotide variant.
Coding change: c.13690G>A on transcript NM_001267550.2 (MANE Select); coding-DNA position 13690, G replaced by A.
Protein change: p.Glu4564Lys; replaces glutamic acid 4564 with lysine.
Molecular consequence: missense variant. On other transcripts: intron variant (1).
Genome position (GRCh38, 1-based): chr2:178,739,543, C>T on the plus strand (G>A on the coding strand, the complement: TTN is on the minus strand). VCF-style: chr2-178739543-C-T. GRCh37 (hg19) VCF-style: chr2-179604270-C-T.
Other names: p.E4247K:GAA>AAA; c.12739G>A, p.Glu4247Lys (NM_001256850.1); c.12601G>A, p.Glu4201Lys (NM_003319.4); c.12976G>A, p.Glu4326Lys (NM_133432.3); c.13177G>A, p.Glu4393Lys (NM_133437.4); c.10361-1183G>A (NM_133378.4); short protein forms E4247K, E4564K, E4201K, E4326K, E4393K.
Identifiers: ClinVar variation 203230 (VCV000203230.5), dbSNP rs746672079, ClinGen allele CA311749.

ClinVar aggregate classification (germline): Uncertain significance (1 of 4 stars; one submission).

Allele frequency attached by ClinVar (database versions not stated): gnomAD exomes below 0.00001 and 0.00001; ExAC 0.00001; gnomAD 0.00001; TOPMed 0.00001.
gnomAD v4.1: 15 of 1,613,676 alleles (0.00093%); highest among the groups gnomAD compares: East Asian, 0.0067%; no homozygotes.

Submission:

GeneDx
Classification: Uncertain significance. Last evaluated: 2021-04-01. Review status: criteria provided, single submitter. Criteria: GeneDx Variant Classification Process June 2021. Collection method: clinical testing. Allele origin: germline. Affected: yes.
Comment: Not observed at a significant frequency in large population cohorts (Lek et al., 2016); Missense variant in a gene in which most reported pathogenic variants are truncating/loss-of-function; Has not been previously published as pathogenic or benign to our knowledge